The following is an entry in ClinVar:

ClinVar aggregate classification (germline): Likely benign. Review status: criteria provided, multiple submitters, no conflicts (2 of 4 stars). 2 submissions from 2 submitters: Likely benign (2). Last evaluated 2024-08-28.

Conditions:
Long QT syndrome (LQTS). Identifiers: MedGen C0023976, MeSH D008133, MONDO:0002442. Disease mechanism: loss of function. Inheritance: Various modes of inheritance.

Allele frequency attached by ClinVar (database versions not stated): gnomAD exomes below 0.00001 and 0.00001; TOPMed below 0.00001.
gnomAD v4.1: 10 of 1,519,074 alleles (0.00066%); highest among the groups gnomAD compares: Middle Eastern, 0.017%; no homozygotes.

Submissions (2):

Labcorp Genetics (formerly Invitae), Labcorp
Classification: Likely benign for Long QT syndrome. Last evaluated: 2024-08-28. Review status: criteria provided, single submitter. Criteria: Invitae Variant Classification Sherloc (09022015). Collection method: clinical testing. Allele origin: germline.

GeneDx
Classification: Likely benign. Last evaluated: 2016-02-17. Review status: criteria provided, single submitter. Criteria: GeneDx Variant Classification (06012015). Collection method: clinical testing. Allele origin: germline. Affected: yes.
Comment: This variant is considered likely benign or benign based on one or more of the following criteria: it is a conservative change, it occurs at a poorly conserved position in the protein, it is predicted to be benign by multiple in silico algorithms, and/or has population frequency not consistent with disease.

NM_033337.3(CAV3):c.114+8C>G

Gene: CAV3 (caveolin 3; plus strand). Cytogenetic location: 3p25.3.
Variant type: single nucleotide variant.
Coding change: c.114+8C>G on transcript NM_033337.3 (MANE Select); 8 bases into the intron after coding-DNA position 114, C replaced by G.
Molecular consequence: intron variant.
Genome position (GRCh38, 1-based): chr3:8,733,998, C>G. VCF-style: chr3-8733998-C-G. GRCh37 (hg19) VCF-style: chr3-8775684-C-G.
Other names: c.114+8C>G (NM_001234.5).
Identifiers: ClinVar variation 383969 (VCV000383969.8), dbSNP rs987275270, ClinGen allele CA16604642.